The following is an entry in ClinVar:

NM_002317.7(LOX):c.590G>T (p.Gly197Val)

Genes: LOX (lysyl oxidase; minus strand), SRFBP1 (serum response factor binding protein 1; plus strand). Cytogenetic location: 5q23.1.
Variant type: single nucleotide variant.
Coding change: c.590G>T on transcript NM_002317.7 (MANE Select); coding-DNA position 590, G replaced by T.
Protein change: p.Gly197Val; replaces glycine 197 with valine.
Molecular consequence: missense variant.
Genome position (GRCh38, 1-based): chr5:122,077,396, C>A on the plus strand (G>T on the coding strand, the complement: LOX is on the minus strand). VCF-style: chr5-122077396-C-A. GRCh37 (hg19) VCF-style: chr5-121413091-C-A.
Other names: short protein forms G197V.
Identifiers: ClinVar variation 2787109 (VCV002787109.3), dbSNP rs2532916272, ClinGen allele CA360875523.

ClinVar aggregate classification (germline): Uncertain significance (1 of 4 stars; one submission).

Submission:

Labcorp Genetics (formerly Invitae), Labcorp
Classification: Uncertain significance. Last evaluated: 2023-05-20. Review status: criteria provided, single submitter. Criteria: Invitae Variant Classification Sherloc (09022015). Collection method: clinical testing. Allele origin: germline.
Comment: This variant has not been reported in the literature in individuals affected with LOX-related conditions. This variant is not present in population databases (gnomAD no frequency). In summary, the available evidence is currently insufficient to determine the role of this variant in disease. Therefore, it has been classified as a Variant of Uncertain Significance. Advanced modeling of protein sequence and biophysical properties (such as structural, functional, and spatial information, amino acid conservation, physicochemical variation, residue mobility, and thermodynamic stability) performed at Invitae indicates that this missense variant is not expected to disrupt LOX protein function. This sequence change replaces glycine, which is neutral and non-polar, with valine, which is neutral and non-polar, at codon 197 of the LOX protein (p.Gly197Val).